The following is an entry in ClinVar:

ClinVar aggregate classification (germline): Likely benign (1 of 4 stars; one submission).

gnomAD v4.1: 5 of 1,612,770 alleles (0.00031%); highest among the groups gnomAD compares: South Asian, 0.0044%; no homozygotes.

Submission:

CeGaT Center for Human Genetics Tuebingen
Classification: Likely benign. Last evaluated: 2024-12-01. Review status: criteria provided, single submitter. Criteria: CeGaT Center For Human Genetics Tuebingen Variant Classification Criteria Version 2. Collection method: clinical testing. Allele origin: germline. Affected: yes. Observed: 1 variant allele.
Comment: MAP3K14: BP4

NM_003954.5(MAP3K14):c.2680-3T>C

Genes: MAP3K14 (mitogen-activated protein kinase kinase kinase 14; minus strand), MAP3K14-AS1 (MAP3K14 antisense RNA 1; plus strand). Cytogenetic location: 17q21.31.
Variant type: single nucleotide variant.
Coding change: c.2680-3T>C on transcript NM_003954.5 (MANE Select); 3 bases into the intron before coding-DNA position 2680, T replaced by C.
Molecular consequence: intron variant.
Genome position (GRCh38, 1-based): chr17:45,264,803, A>G on the plus strand (T>C on the coding strand, the complement: MAP3K14 is on the minus strand). VCF-style: chr17-45264803-A-G. GRCh37 (hg19) VCF-style: chr17-43342170-A-G.
Identifiers: ClinVar variation 3771692 (VCV003771692.13).